The following is an entry in ClinVar:

ClinVar aggregate classification (germline): Uncertain significance (1 of 4 stars; one submission).

Conditions:
Hereditary sensory and autonomic neuropathy type 7. Also called: HSAN VII; Neuropathy, hereditary sensory and autonomic, type VII. Identifiers: Orphanet 391397, MedGen C3809882, MONDO:0014244, OMIM 615548.
Familial episodic pain syndrome with predominantly lower limb involvement. Also called: Episodic pain syndrome, familial, 3. Identifiers: Orphanet 391384, Orphanet 391392, MedGen C3809899, MONDO:0014247, OMIM 615552.

Submission:

Labcorp Genetics (formerly Invitae), Labcorp
Classification: Uncertain significance for Familial episodic pain syndrome with predominantly lower limb involvement; Hereditary sensory and autonomic neuropathy type 7. Last evaluated: 2024-07-14. Review status: criteria provided, single submitter. Criteria: Invitae Variant Classification Sherloc (09022015). Collection method: clinical testing. Allele origin: germline.
Comment: This sequence change creates a premature translational stop signal (p.Glu1734Argfs*16) in the SCN11A gene. While this is not anticipated to result in nonsense mediated decay, it is expected to disrupt the last 58 amino acid(s) of the SCN11A protein. This variant is present in population databases (rs772375515, gnomAD 0.007%). This variant has not been reported in the literature in individuals affected with SCN11A-related conditions. Experimental studies and prediction algorithms are not available or were not evaluated, and the functional significance of this variant is currently unknown. In summary, the available evidence is currently insufficient to determine the role of this variant in disease. Therefore, it has been classified as a Variant of Uncertain Significance.

NM_001349253.2(SCN11A):c.5198_5199dup (p.Glu1734fs)

Gene: SCN11A (sodium voltage-gated channel alpha subunit 11; minus strand). Cytogenetic location: 3p22.2.
Variant type: Microsatellite.
Coding change: c.5198_5199dup on transcript NM_001349253.2 (MANE Select); coding-DNA positions 5198 to 5199, 2 bases duplicated (AG; older notation c.5198_5199dupAG).
Protein change: p.Glu1734fs; shifts the reading frame from glutamic acid 1734.
Molecular consequence: frameshift variant.
Genome position (GRCh38, 1-based): chr3:38,846,871-38,846,872, CT duplicated on the plus strand (AG on the coding strand, the reverse complement: SCN11A is on the minus strand); duplicating any 2 consecutive bases within chr3:38,846,871-38,846,874 gives the same sequence; the c. name uses the placement nearest the transcript's 3' end. VCF-style (leftmost placement, unchanged base first): chr3-38846870-C-CCT. GRCh37 (hg19) VCF-style: chr3-38888361-C-CCT.
Other names: c.5198_5199dup, p.Glu1734fs (NM_014139.3); short protein forms E1734fs.
Identifiers: ClinVar variation 3749749 (VCV003749749.2).
Genomic context (GRCh38, chr3:38,846,870, plus strand): 5'-CCTTGGTCACCTTCATCATGTACTTTCGAAAGGCCTTTTGAATAATAGCAGCACCTCTTT[C>CCT]CTCTTCCTTTCTCTTGGTGGTGGTGACTATGGGTTCATACAACTTCTTGAGAGGATTGGC-3'